The following is an entry in ClinVar:

NM_004370.6(COL12A1):c.5402T>C (p.Ile1801Thr)

Gene: COL12A1 (collagen type XII alpha 1 chain; minus strand). Cytogenetic location: 6q13.
Variant type: single nucleotide variant.
Coding change: c.5402T>C on transcript NM_004370.6 (MANE Select); coding-DNA position 5402, T replaced by C.
Protein change: p.Ile1801Thr; replaces isoleucine 1801 with threonine.
Molecular consequence: missense variant.
Genome position (GRCh38, 1-based): chr6:75,134,848, A>G on the plus strand (T>C on the coding strand, the complement: COL12A1 is on the minus strand). VCF-style: chr6-75134848-A-G. GRCh37 (hg19) VCF-style: chr6-75844564-A-G.
Other names: p.Ile1801Thr; c.1910T>C, p.Ile637Thr (NM_080645.3); short protein forms I1801T, I637T.
Identifiers: ClinVar variation 475875 (VCV000475875.21), dbSNP rs200317239, ClinGen allele CA3893136.
Genomic context (GRCh38, chr6:75,134,848, plus strand): 5'-ATAGTGTAAGGAGTGTCTGGCTTCAGTTTCTGCAGGACCACACTGTTCTGCCGTCCTCCT[A>G]TTGTGGTCTTGAGTAAAAAGGGTCTTGGTAAGTGTCAGCCTTGCTCTCTCCATCTCACTA-3'
Protein context (NP_004361.3, residues 1791-1811): TGEGNEQTTT[Ile1801Thr]GGRQNSVVLQ

ClinVar aggregate classification (germline): Conflicting classifications of pathogenicity. Review status: criteria provided, conflicting classifications (1 of 4 stars). 6 submissions from 6 submitters: Uncertain significance (1); Likely benign (4). 1 of the submissions does not count toward it. Last evaluated 2026-06-09.

Conditions:
COL12A1-related disorder. Also called: COL12A1-related condition.
Inborn genetic diseases. Identifiers: MedGen C0950123, MeSH D030342.
Ullrich congenital muscular dystrophy 2 (UCMD2). Identifiers: Orphanet 75840, MedGen C4225314, MONDO:0014654, OMIM 616470.
Bethlem myopathy 2 (BTHLM2). Identifiers: Orphanet 536516, Orphanet 610, MedGen C4225313, MONDO:0034022, OMIM 616471.

Allele frequency attached by ClinVar (database versions not stated): TOPMed 0.00161; ExAC 0.00042; gnomAD 0.00141 and 0.00134; ESP Exome Variant Server 0.00114; 1000 Genomes Project 0.00240; 1000 Genomes Project 30x 0.00250.
gnomAD v4.1: 397 of 1,609,882 alleles (0.025%); highest among the groups gnomAD compares: African/African-American, 0.44%; no homozygotes.

Submissions (6):

Women's Health and Genetics/Laboratory Corporation of America, LabCorp
Classification: Likely benign. Last evaluated: 2026-06-09. Review status: criteria provided, single submitter. Criteria: LabCorp Variant Classification Summary - May 2015. Collection method: clinical testing. Allele origin: germline.
Comment: Variant summary: COL12A1 c.5402T>C (p.Ile1801Thr) results in a non-conservative amino acid change in the encoded protein sequence. Algorithms developed to predict the effect of missense changes on protein structure and function are either unavailable or do not agree on the potential impact of this missense change. The variant allele was found at a frequency of 0.00032 in 249212 control chromosomes, predominantly at a frequency of 0.0043 within the African or African-American subpopulation in the gnomAD database. The observed variant frequency within African or African-American control individuals in the gnomAD database exceeds the estimated maximal expected allele frequency for disease-causing variants in COL12A1. To our knowledge, no occurrence of c.5402T>C in individuals affected with COL12A1-related conditions and no experimental evidence demonstrating its impact on protein function have been reported. ClinVar contains an entry for this variant (Variation ID: 475875). Based on the evidence outlined above, the variant was classified as likely benign.

Labcorp Genetics (formerly Invitae), Labcorp
Classification: Likely benign for Bethlem myopathy 2; Ullrich congenital muscular dystrophy 2. Last evaluated: 2026-01-26. Review status: criteria provided, single submitter. Criteria: Invitae Variant Classification Sherloc (09022015). Collection method: clinical testing. Allele origin: germline.

Mayo Clinic Laboratories, Mayo Clinic
Classification: Likely benign. Last evaluated: 2025-09-26. Review status: criteria provided, single submitter. Criteria: ACMG Guidelines, 2015. Collection method: clinical testing. Allele origin: germline. Observed: 4 variant alleles.
Comment: BS1, BP4_moderate

Ambry Genetics
Classification: Uncertain significance for Inborn genetic diseases. Last evaluated: 2025-08-02. Review status: criteria provided, single submitter. Criteria: Ambry Variant Classification Scheme 2023. Collection method: clinical testing. Allele origin: germline.

GeneDx
Classification: Likely benign. Last evaluated: 2020-06-22. Review status: criteria provided, single submitter. Criteria: GeneDx Variant Classification Process June 2021. Collection method: clinical testing. Allele origin: germline. Affected: yes.

PreventionGenetics, part of Exact Sciences
Classification: Benign for COL12A1-related condition. Last evaluated: 2019-08-03. Review status: no assertion criteria provided. Collection method: clinical testing. Allele origin: germline. Not counted in ClinVar's aggregate classification.
Comment: This variant is classified as benign based on ACMG/AMP sequence variant interpretation guidelines (Richards et al. 2015 PMID: 25741868, with internal and published modifications).